The following is an entry in ClinVar:

ClinVar aggregate classification (germline): Uncertain significance (1 of 4 stars; one submission).

Conditions:
Duchenne muscular dystrophy (DMD). Also called: MUSCULAR DYSTROPHY, PSEUDOHYPERTROPHIC PROGRESSIVE, DUCHENNE TYPE; Duchenne Muscular Dystrophy (DMD). Identifiers: Orphanet 98896, MedGen C0013264, MONDO:0010679, OMIM 310200.

Submission:

Labcorp Genetics (formerly Invitae), Labcorp
Classification: Uncertain significance for Duchenne muscular dystrophy. Last evaluated: 2022-07-29. Review status: criteria provided, single submitter. Criteria: Invitae Variant Classification Sherloc (09022015). Collection method: clinical testing. Allele origin: germline.
Comment: In summary, the available evidence is currently insufficient to determine the role of this variant in disease. Therefore, it has been classified as a Variant of Uncertain Significance. Algorithms developed to predict the effect of missense changes on protein structure and function (SIFT, PolyPhen-2, Align-GVGD) all suggest that this variant is likely to be disruptive. This variant has not been reported in the literature in individuals affected with DMD-related conditions. This variant is not present in population databases (gnomAD no frequency). This sequence change replaces lysine, which is basic and polar, with glutamic acid, which is acidic and polar, at codon 1204 of the DMD protein (p.Lys1204Glu).

NM_004006.3(DMD):c.3610A>G (p.Lys1204Glu)

Gene: DMD (dystrophin; minus strand). Cytogenetic location: Xp21.1.
Variant type: single nucleotide variant.
Coding change: c.3610A>G on transcript NM_004006.3 (MANE Select); coding-DNA position 3610, A replaced by G.
Protein change: p.Lys1204Glu; replaces lysine 1204 with glutamic acid.
Molecular consequence: missense variant.
Genome position (GRCh38, 1-based): chrX:32,448,632, T>C on the plus strand (A>G on the coding strand, the complement: DMD is on the minus strand). VCF-style: chrX-32448632-T-C. GRCh37 (hg19) VCF-style: chrX-32466749-T-C.
Other names: c.3586A>G, p.Lys1196Glu (NM_000109.4); c.3598A>G, p.Lys1200Glu (NM_004009.3); c.3241A>G, p.Lys1081Glu (NM_004010.3); short protein forms K1081E, K1196E, K1200E, K1204E.
Identifiers: ClinVar variation 1714077 (VCV001714077.4), dbSNP rs1286522885, ClinGen allele CA412662403.